The following is an entry in ClinVar:

ClinVar aggregate classification (germline): Uncertain significance (1 of 4 stars; one submission).

Conditions:
Familial melanoma. Also called: Hereditary melanoma; Hereditary cutaneous melanoma. Identifiers: Orphanet 618, MedGen C1512419, MONDO:0018961.

Submission:

Labcorp Genetics (formerly Invitae), Labcorp
Classification: Uncertain significance for Familial melanoma. Last evaluated: 2025-06-11. Review status: criteria provided, single submitter. Criteria: Invitae Variant Classification Sherloc (09022015). Collection method: clinical testing. Allele origin: germline.
Comment: This sequence change replaces glycine, which is neutral and non-polar, with aspartic acid, which is acidic and polar, at codon 300 of the CDK4 protein (p.Gly300Asp). This variant is not present in population databases (gnomAD no frequency). This variant has not been reported in the literature in individuals affected with CDK4-related conditions. Invitae Evidence Modeling of protein sequence and biophysical properties (such as structural, functional, and spatial information, amino acid conservation, physicochemical variation, residue mobility, and thermodynamic stability) indicates that this missense variant is not expected to disrupt CDK4 protein function with a negative predictive value of 95%. In summary, the available evidence is currently insufficient to determine the role of this variant in disease. Therefore, it has been classified as a Variant of Uncertain Significance.

NM_000075.4(CDK4):c.899G>A (p.Gly300Asp)

Genes: CDK4 (cyclin dependent kinase 4; minus strand), TSPAN31 (tetraspanin 31; plus strand). Cytogenetic location: 12q14.1.
Variant type: single nucleotide variant.
Coding change: c.899G>A on transcript NM_000075.4 (MANE Select); coding-DNA position 899, G replaced by A.
Protein change: p.Gly300Asp; replaces glycine 300 with aspartic acid.
Molecular consequence: missense variant. On other transcripts: 3 prime UTR variant (3).
Genome position (GRCh38, 1-based): chr12:57,748,538, C>T on the plus strand (G>A on the coding strand, the complement: CDK4 is on the minus strand). VCF-style: chr12-57748538-C-T. GRCh37 (hg19) VCF-style: chr12-58142321-C-T.
Other names: c.*1248C>T (NM_001330168.2, NM_001330169.2, NM_005981.5); short protein forms G300D.
Identifiers: ClinVar variation 4803051 (VCV004803051.1).